The following is an entry in ClinVar:

NM_001384140.1(PCDH15):c.2202C>T (p.Ala734=)

Gene: PCDH15 (protocadherin related 15; minus strand). Cytogenetic location: 10q21.1.
Variant type: single nucleotide variant.
Coding change: c.2202C>T on transcript NM_001384140.1 (MANE Select); coding-DNA position 2202, C replaced by T.
Protein change: p.Ala734=; no amino-acid change (alanine 734 retained).
Molecular consequence: synonymous variant.
Genome position (GRCh38, 1-based): chr10:54,066,775, G>A on the plus strand (C>T on the coding strand, the complement: PCDH15 is on the minus strand). VCF-style: chr10-54066775-G-A. GRCh37 (hg19) VCF-style: chr10-55826535-G-A.
Other names: c.2217C>T, p.Ala739= (NM_001142763.2, NM_001142771.2); c.2202C>T, p.Ala734= (NM_001142764.2, NM_001142766.2, NM_001142770.3 and 5 more transcripts); c.1989C>T, p.Ala663= (NM_001142765.2); c.2091C>T, p.Ala697= (NM_001142767.2); c.2136C>T, p.Ala712= (NM_001142768.2, NM_001142773.2, NM_001354404.2); c.2238C>T, p.Ala746= (NM_001142769.4); c.2223C>T, p.Ala741= (NM_001354411.2).
Identifiers: ClinVar variation 722347 (VCV000722347.15), dbSNP rs201636125, ClinGen allele CA5506100.

ClinVar aggregate classification (germline): Likely benign. Review status: criteria provided, multiple submitters, no conflicts (2 of 4 stars). 5 submissions from 5 submitters: Likely benign (4). 1 of the submissions does not count toward it. Last evaluated 2025-12-23.

Conditions:
PCDH15-related disorder. Also called: PCDH15-related disorders; PCDH15-related condition.
Usher syndrome type 1F (USH1F). Also called: USHER SYNDROME, TYPE IF. Identifiers: Orphanet 231169, Orphanet 886, MedGen C1865885, MONDO:0011186, OMIM 602083.

Allele frequency attached by ClinVar (database versions not stated): gnomAD exomes below 0.00001 and 0.00002; gnomAD 0.00001; ExAC 0.00002; TOPMed 0.00005; 1000 Genomes Project 0.00020; 1000 Genomes Project 30x 0.00031.
gnomAD v4.1: 11 of 1,613,318 alleles (0.00068%); highest among the groups gnomAD compares: East Asian, 0.0089%; no homozygotes.

Submissions (5):

Labcorp Genetics (formerly Invitae), Labcorp
Classification: Likely benign. Last evaluated: 2025-12-23. Review status: criteria provided, single submitter. Criteria: Invitae Variant Classification Sherloc (09022015). Collection method: clinical testing. Allele origin: germline.

PreventionGenetics, part of Exact Sciences
Classification: Likely benign for PCDH15-related condition. Last evaluated: 2025-11-23. Review status: criteria provided, single submitter. Criteria: ACMG Guidelines, 2015. Collection method: clinical testing. Allele origin: germline.
Comment: This variant is classified as likely benign based on ACMG/AMP sequence variant interpretation guidelines (Richards et al. 2015 PMID: 25741868, with internal and published modifications).

Blueprint Genetics
Classification: Likely benign. Last evaluated: 2024-09-11. Review status: criteria provided, single submitter. Criteria: ACMG Guidelines, 2015. Collection method: clinical testing. Allele origin: germline.

Laboratory for Molecular Medicine, Mass General Brigham Personalized Medicine
Classification: Likely benign. Last evaluated: 2021-12-16. Review status: criteria provided, single submitter. Criteria: ACMG Guidelines, 2015. Collection method: clinical testing. Allele origin: germline.
Comment: The p.Ala734Ala variant in PCDH15 is classified as likely benign because it does not alter an amino acid residue, is not located within the splice consensus site, and computational splice prediction tools do not predict an impact on splicing. It has been identified in 0.03264% (6/18382) of East Asian chromosomes by gnomAD. ACMG/AMP Criteria applied: PM2_Supporting, BP4, BP7.

Natera, Inc.
Classification: Uncertain significance for Usher syndrome type 1F. Last evaluated: 2020-04-17. Review status: no assertion criteria provided. Collection method: clinical testing. Allele origin: germline. Not counted in ClinVar's aggregate classification.